The following is an entry in ClinVar:

ClinVar aggregate classification (germline): Uncertain significance (1 of 4 stars; one submission).

Submission:

Ambry Genetics
Classification: Uncertain significance. Last evaluated: 2021-11-22. Review status: criteria provided, single submitter. Criteria: Ambry Variant Classification Scheme 2023. Collection method: clinical testing. Allele origin: germline.
Comment: The p.M318I variant (also known as c.954G>A), located in coding exon 6 of the IDH1 gene, results from a G to A substitution at nucleotide position 954. The methionine at codon 318 is replaced by isoleucine, an amino acid with highly similar properties. This amino acid position is conserved. In addition, this alteration is predicted to be tolerated by in silico analysis. Since supporting evidence is limited at this time, the clinical significance of this alteration remains unclear.

NM_005896.4(IDH1):c.954G>A (p.Met318Ile)

Gene: IDH1 (isocitrate dehydrogenase (NADP(+)) 1; minus strand). Cytogenetic location: 2q34.
Variant type: single nucleotide variant.
Coding change: c.954G>A on transcript NM_005896.4 (MANE Select); coding-DNA position 954, G replaced by A.
Protein change: p.Met318Ile; replaces methionine 318 with isoleucine.
Molecular consequence: missense variant.
Genome position (GRCh38, 1-based): chr2:208,239,900, C>T on the plus strand (G>A on the coding strand, the complement: IDH1 is on the minus strand). VCF-style: chr2-208239900-C-T. GRCh37 (hg19) VCF-style: chr2-209104624-C-T.
Other names: c.954G>A, p.Met318Ile (NM_001282386.1, NM_001282387.1); short protein forms M318I.
Identifiers: ClinVar variation 1767348 (VCV001767348.2), dbSNP rs2124848870, ClinGen allele CA350095104.